The following is an entry in ClinVar:

ClinVar aggregate classification (germline): Uncertain significance (1 of 4 stars; one submission).

Conditions:
Kabuki syndrome. Also called: Kabuki make-up syndrome; NIIKAWA-KUROKI SYNDROME. Identifiers: Orphanet 2322, MedGen C0796004, MONDO:0016512.

Submission:

Labcorp Genetics (formerly Invitae), Labcorp
Classification: Uncertain significance for Kabuki syndrome. Last evaluated: 2025-12-27. Review status: criteria provided, single submitter. Criteria: Invitae Variant Classification Sherloc (09022015). Collection method: clinical testing. Allele origin: germline.
Comment: This sequence change replaces proline, which is neutral and non-polar, with threonine, which is neutral and polar, at codon 2763 of the KMT2D protein (p.Pro2763Thr). This variant is not present in population databases (gnomAD no frequency). This variant has not been reported in the literature in individuals affected with KMT2D-related conditions. ClinVar contains an entry for this variant (Variation ID: 2079960). Invitae Evidence Modeling of protein sequence and biophysical properties (such as structural, functional, and spatial information, amino acid conservation, physicochemical variation, residue mobility, and thermodynamic stability) indicates that this missense variant is not expected to disrupt KMT2D protein function with a negative predictive value of 95%. In summary, the available evidence is currently insufficient to determine the role of this variant in disease. Therefore, it has been classified as a Variant of Uncertain Significance.

NM_003482.4(KMT2D):c.8287C>A (p.Pro2763Thr)

Gene: KMT2D (lysine methyltransferase 2D; minus strand). Cytogenetic location: 12q13.12.
Variant type: single nucleotide variant.
Coding change: c.8287C>A on transcript NM_003482.4 (MANE Select); coding-DNA position 8287, C replaced by A.
Protein change: p.Pro2763Thr; replaces proline 2763 with threonine.
Molecular consequence: missense variant.
Genome position (GRCh38, 1-based): chr12:49,039,301, G>T on the plus strand (C>A on the coding strand, the complement: KMT2D is on the minus strand). VCF-style: chr12-49039301-G-T. GRCh37 (hg19) VCF-style: chr12-49433084-G-T.
Other names: short protein forms P2763T.
Identifiers: ClinVar variation 2079960 (VCV002079960.4), dbSNP rs1463169469, ClinGen allele CA384742917.